The following is an entry in ClinVar:

ClinVar aggregate classification (germline): Uncertain significance. Review status: criteria provided, multiple submitters, no conflicts (2 of 4 stars). 3 submissions from 3 submitters: Uncertain significance (3). Last evaluated 2026-01-28.

Conditions:
Hereditary cancer-predisposing syndrome. Also called: Hereditary neoplastic syndrome; Neoplastic Syndromes, Hereditary; Hereditary Cancer Syndrome; Tumor predisposition. Identifiers: Orphanet 140162, MedGen C0027672, MeSH D009386, MONDO:0015356.
Endometrial carcinoma. Also called: Endometrial carcinoma, somatic. Identifiers: MedGen C0476089, MONDO:0002447, OMIM 608089, HP:0012114.

Allele frequency attached by ClinVar (database versions not stated): gnomAD exomes below 0.00001.
gnomAD v4.1: 6 of 1,613,844 alleles (0.00037%); highest among the groups gnomAD compares: Non-Finnish European, 0.00051%; no homozygotes.

Submissions (3):

Labcorp Genetics (formerly Invitae), Labcorp
Classification: Uncertain significance. Last evaluated: 2026-01-28. Review status: criteria provided, single submitter. Criteria: Invitae Variant Classification Sherloc (09022015). Collection method: clinical testing. Allele origin: germline.
Comment: This sequence change replaces isoleucine, which is neutral and non-polar, with valine, which is neutral and non-polar, at codon 1059 of the MSH3 protein (p.Ile1059Val). This variant is present in population databases (no rsID available, gnomAD 0.0009%). This variant has not been reported in the literature in individuals affected with MSH3-related conditions. ClinVar contains an entry for this variant (Variation ID: 659566). An algorithm developed to predict the effect of missense changes on protein structure and function (PolyPhen-2) suggests that this variant is likely to be tolerated. In summary, the available evidence is currently insufficient to determine the role of this variant in disease. Therefore, it has been classified as a Variant of Uncertain Significance.

Ambry Genetics
Classification: Uncertain significance for Hereditary cancer-predisposing syndrome. Last evaluated: 2025-02-04. Review status: criteria provided, single submitter. Criteria: Ambry Variant Classification Scheme 2023. Collection method: clinical testing. Allele origin: germline.
Comment: The p.I1059V variant (also known as c.3175A>G), located in coding exon 23 of the MSH3 gene, results from an A to G substitution at nucleotide position 3175. The isoleucine at codon 1059 is replaced by valine, an amino acid with highly similar properties. This amino acid position is well conserved in available vertebrate species. In addition, the in silico prediction for this alteration is inconclusive. Based on the available evidence, the clinical significance of this variant remains unclear.

Baylor Genetics
Classification: Uncertain significance for Endometrial carcinoma. Last evaluated: 2023-05-24. Review status: criteria provided, single submitter. Criteria: ACMG Guidelines, 2015. Collection method: clinical testing. Allele origin: unknown.

NM_002439.5(MSH3):c.3175A>G (p.Ile1059Val)

Gene: MSH3 (mutS homolog 3; plus strand). Cytogenetic location: 5q14.1.
Variant type: single nucleotide variant.
Coding change: c.3175A>G on transcript NM_002439.5 (MANE Select); coding-DNA position 3175, A replaced by G.
Protein change: p.Ile1059Val; replaces isoleucine 1059 with valine.
Molecular consequence: missense variant.
Genome position (GRCh38, 1-based): chr5:80,873,160, A>G. VCF-style: chr5-80873160-A-G. GRCh37 (hg19) VCF-style: chr5-80168979-A-G.
Other names: short protein forms I1059V.
Identifiers: ClinVar variation 659566 (VCV000659566.15), dbSNP rs1427170285, ClinGen allele CA360346878.